The following is an entry in ClinVar:

ClinVar aggregate classification (germline): Uncertain significance (1 of 4 stars; one submission).

Submission:

GeneDx
Classification: Uncertain significance. Last evaluated: 2025-08-09. Review status: criteria provided, single submitter. Criteria: GeneDx Variant Classification Process June 2021. Collection method: clinical testing. Allele origin: germline. Affected: yes.
Comment: Not observed at significant frequency in large population cohorts (gnomAD); In-frame deletion of 6 amino acid(s) in a non-repeat region; In silico analysis suggests that this variant does not alter protein structure/function; Has not been previously published as pathogenic or benign to our knowledge; Lost residues are predicted to be within the cytoplasmic loop between the first and second homologous domains

NM_001330260.2(SCN8A):c.1937_1954del (p.Asn646_Leu651del)

Gene: SCN8A (sodium voltage-gated channel alpha subunit 8; plus strand). Cytogenetic location: 12q13.13.
Variant type: Deletion.
Coding change: c.1937_1954del on transcript NM_001330260.2 (MANE Select); coding-DNA positions 1937 to 1954, 18 bases deleted (ACGGCGTGGTGTCCCTCA).
Protein change: p.Asn646_Leu651del.
Genome position (GRCh38, 1-based): chr12:51,721,847-51,721,864, ACGGCGTGGTGTCCCTCA deleted; deleting any 18 consecutive bases within chr12:51,721,845-51,721,864 gives the same sequence; the c. name uses the placement nearest the transcript's 3' end. VCF-style (leftmost placement, unchanged base first): chr12-51721844-GCAACGGCGTGGTGTCCCT-G. GRCh37 (hg19) VCF-style: chr12-52115628-GCAACGGCGTGGTGTCCCT-G.
Other names: c.1937_1954del, p.Asn646_Leu651del (NM_001369788.1, NM_014191.4, NM_001177984.3).
Identifiers: ClinVar variation 4756062 (VCV004756062.1).